The following is an entry in ClinVar:

NM_017617.5(NOTCH1):c.3746G>C (p.Gly1249Ala)

Gene: NOTCH1 (notch receptor 1; minus strand). Cytogenetic location: 9q34.3.
Variant type: single nucleotide variant.
Coding change: c.3746G>C on transcript NM_017617.5 (MANE Select); coding-DNA position 3746, G replaced by C.
Protein change: p.Gly1249Ala; replaces glycine 1249 with alanine.
Molecular consequence: missense variant.
Genome position (GRCh38, 1-based): chr9:136,506,871, C>G on the plus strand (G>C on the coding strand, the complement: NOTCH1 is on the minus strand). VCF-style: chr9-136506871-C-G. GRCh37 (hg19) VCF-style: chr9-139401323-C-G.
Other names: short protein forms G1249A.
Identifiers: ClinVar variation 1331105 (VCV001331105.2), dbSNP rs1843094978, ClinGen allele CA375549429.
Genomic context (GRCh38, chr9:136,506,871, plus strand): 5'-TTGACATCCCCCTCACAGCGCTCACCCACGAAGCCCGGCGGGCAGGTGCAGCTGTAGCCG[C>G]CCACCTGGTCCACGCAGGTGCCGTTGTTAAAGCACTTGGGGCTCCGGGACACGGGGTCAA-3'
Protein context (NP_060087.3, residues 1239-1259): FNNGTCVDQV[Gly1249Ala]GYSCTCPPGF

ClinVar aggregate classification (germline): Uncertain significance (1 of 4 stars; one submission).

Submission:

GeneDx
Classification: Uncertain significance. Last evaluated: 2021-06-28. Review status: criteria provided, single submitter. Criteria: GeneDx Variant Classification Process June 2021. Collection method: clinical testing. Allele origin: germline. Affected: yes.
Comment: Has not been previously published as pathogenic or benign to our knowledge; Not observed at significant frequency in large population cohorts (Lek et al., 2016); In silico analysis supports that this missense variant has a deleterious effect on protein structure/function; This variant is associated with the following publications: (PMID: 27535533)